The following is an entry in ClinVar:

NM_001943.5(DSG2):c.379-1G>A

Gene: DSG2 (desmoglein 2; plus strand). Cytogenetic location: 18q12.1.
Variant type: single nucleotide variant.
Coding change: c.379-1G>A on transcript NM_001943.5 (MANE Select); the canonical splice acceptor site of the intron before coding-DNA position 379, G replaced by A.
Molecular consequence: splice acceptor variant.
Genome position (GRCh38, 1-based): chr18:31,521,098, G>A. VCF-style: chr18-31521098-G-A. GRCh37 (hg19) VCF-style: chr18-29101061-G-A.
Identifiers: ClinVar variation 1068205 (VCV001068205.9), dbSNP rs1472037685, ClinGen allele CA402131770.

ClinVar aggregate classification (germline): Likely pathogenic (1 of 4 stars; one submission).

Conditions:
Arrhythmogenic right ventricular dysplasia 10. Also called: Arrhythmogenic Right Ventricular Dysplasia/Cardiomyopathy10; ARRHYTHMOGENIC RIGHT VENTRICULAR DYSPLASIA, FAMILIAL, 10; Arrhythmogenic right ventricular dysplasia/cardiomyopathy, type 10. Identifiers: MedGen C1857777, MONDO:0012434, OMIM 610193.

Allele frequency attached by ClinVar (database versions not stated): TOPMed below 0.00001; gnomAD 0.00001.
gnomAD v4.1: 1 of 1,613,666 alleles (0.000062%); highest among the groups gnomAD compares: Non-Finnish European, 0.000085%; no homozygotes.

Submission:

Labcorp Genetics (formerly Invitae), Labcorp
Classification: Likely pathogenic for Arrhythmogenic right ventricular dysplasia 10. Last evaluated: 2020-10-21. Review status: criteria provided, single submitter. Criteria: Invitae Variant Classification Sherloc (09022015). Collection method: clinical testing. Allele origin: germline.
Comment: In summary, the currently available evidence indicates that the variant is pathogenic, but additional data are needed to prove that conclusively. Therefore, this variant has been classified as Likely Pathogenic. Algorithms developed to predict the effect of sequence changes on RNA splicing suggest that this variant may disrupt the consensus splice site, but this prediction has not been confirmed by published transcriptional studies. This variant has not been reported in the literature in individuals with DSG2-related conditions. This variant is not present in population databases (ExAC no frequency). This sequence change affects an acceptor splice site in intron 4 of the DSG2 gene. It is expected to disrupt RNA splicing. Variants that disrupt the donor or acceptor splice site typically lead to a loss of protein function (PMID: 16199547), and loss-of-function variants in DSG2 are known to be pathogenic (PMID: 23381804, 23911551).

Literature cited by the submitters: PubMed 16199547; PubMed 23381804; PubMed 23911551.